The following is an entry in ClinVar:

ClinVar aggregate classification (germline): Pathogenic. Review status: criteria provided, multiple submitters, no conflicts (2 of 4 stars). 4 submissions from 4 submitters: Pathogenic (3). 1 of the submissions does not count toward it. Last evaluated 2024-10-22.

Conditions:
Methylmalonic aciduria, cblA type (MACA). Also called: Vitamin B12-responsive methylmalonic acidemia type cblA; Methylmalonic aciduria, vitamin b12-responsive, due to defect in synthesis of adenosylcobalamin, cbla complementation type; MMA cbl A type; Methylmalonic acidemia cblA type; Methylmalonic aciduria, vitamin B12-responsive. Identifiers: Orphanet 28, Orphanet 79310, MedGen C1855109, MONDO:0009613, OMIM 251100.

Allele frequency attached by ClinVar (database versions not stated): gnomAD exomes below 0.00001.
gnomAD v4.1: 2 of 1,613,870 alleles (0.00012%); highest among the groups gnomAD compares: Non-Finnish European, 0.000085%; no homozygotes.

Submissions (4):

Natera, Inc.
Classification: Pathogenic for Methylmalonic aciduria cblA type. Last evaluated: 2024-10-22. Review status: criteria provided, single submitter. Criteria: Natera Variant Classification Schema (03/2026). Collection method: clinical testing. Allele origin: germline.
Comment: The c.358C>T variant in MMAA is a nonsense variant predicted to introduce a stop codon at amino acid 120. This variant is expected to result in nonsense mediated decay, truncation, or a dysfunctional protein product. This variant is rare in the general population with a frequency below the threshold expected for the associated phenotype(s). This variant has been observed in one or more individuals affected with the associated recessive disease, as either homozygous or compound heterozygous with a second variant (PMID: 15781192). Given the available evidence, this variant is classified as Pathogenic.

Labcorp Genetics (formerly Invitae), Labcorp
Classification: Pathogenic for Methylmalonic aciduria, cblA type. Last evaluated: 2023-08-08. Review status: criteria provided, single submitter. Criteria: Invitae Variant Classification Sherloc (09022015). Collection method: clinical testing. Allele origin: germline.
Comment: This variant is not present in population databases (gnomAD no frequency). For these reasons, this variant has been classified as Pathogenic. ClinVar contains an entry for this variant (Variation ID: 218972). This premature translational stop signal has been observed in individual(s) with methylmalonic aciduria cobalamin A type (PMID: 15781192, 20549364). This sequence change creates a premature translational stop signal (p.Gln120*) in the MMAA gene. It is expected to result in an absent or disrupted protein product. Loss-of-function variants in MMAA are known to be pathogenic (PMID: 15523652, 15781192).

Baylor Genetics
Classification: Pathogenic for Methylmalonic aciduria, cblA type. Last evaluated: 2023-04-10. Review status: criteria provided, single submitter. Criteria: ACMG Guidelines, 2015. Collection method: clinical testing. Allele origin: unknown.

GeneReviews
No classification provided. Condition: Methylmalonic aciduria, cblA type. Review status: no classification provided. Collection method: literature only. Allele origin: germline. Affected: yes. Not counted in ClinVar's aggregate classification.

Literature cited by the submitters: PubMed 15781192 (cited by Natera, Inc. and Labcorp Genetics (formerly Invitae), Labcorp); PubMed 20549364 (cited by Labcorp Genetics (formerly Invitae), Labcorp); PubMed 15523652 (cited by Labcorp Genetics (formerly Invitae), Labcorp); NCBI Bookshelf NBK1231 (cited by GeneReviews).

NM_172250.3(MMAA):c.358C>T (p.Gln120Ter)

Gene: MMAA (metabolism of cobalamin associated A; plus strand). Cytogenetic location: 4q31.21.
Variant type: single nucleotide variant.
Coding change: c.358C>T on transcript NM_172250.3 (MANE Select); coding-DNA position 358, C replaced by T.
Protein change: p.Gln120Ter; replaces glutamine 120 with a stop codon.
Molecular consequence: nonsense.
Genome position (GRCh38, 1-based): chr4:145,639,497, C>T. VCF-style: chr4-145639497-C-T. GRCh37 (hg19) VCF-style: chr4-146560649-C-T.
Other names: c.358C>T (NM_172250.2); short protein forms Q120*.
Identifiers: ClinVar variation 218972 (VCV000218972.8), dbSNP rs864309727, ClinGen allele CA347888.
Genomic context (GRCh38, chr4:145,639,497, plus strand): 5'-TGTTTAGCAGAGGCCATAACTCTTGTAGAATCAACTCACAGCAGGAAAAAGGAGTTAGCC[C>T]AGGTGCTTCTTCAGAAAGTATTACTTTACCACAGAGAACAAGAACAATCAAATAAAGGAA-3'